The following is an entry in ClinVar:

NM_001395656.1(ROBO2):c.625G>A (p.Val209Met)

Gene: ROBO2 (roundabout guidance receptor 2; plus strand). Cytogenetic location: 3p12.3.
Variant type: single nucleotide variant.
Coding change: c.625G>A on transcript NM_001395656.1 (MANE Select); coding-DNA position 625, G replaced by A.
Protein change: p.Val209Met; replaces valine 209 with methionine.
Molecular consequence: missense variant. On other transcripts: 5 prime UTR variant (1).
Genome position (GRCh38, 1-based): chr3:77,481,177, G>A. VCF-style: chr3-77481177-G-A. GRCh37 (hg19) VCF-style: chr3-77530328-G-A.
Other names: c.673G>A, p.Val225Met (NM_001378203.1, NM_001378195.1, NM_001378196.1 and 5 more transcripts); c.694G>A, p.Val232Met (NM_001394212.1, NM_001394213.1, NM_001394214.1 and 5 more transcripts); c.625G>A, p.Val209Met (NM_002942.5, NM_001378193.1, NM_001378197.1 and 3 more transcripts); c.-1294G>A (NM_001290065.2); short protein forms V209M, V225M, V232M.
Identifiers: ClinVar variation 3665269 (VCV003665269.2).

ClinVar aggregate classification (germline): Uncertain significance (1 of 4 stars; one submission).

gnomAD v4.1: 4 of 1,606,806 alleles (0.00025%); highest among the groups gnomAD compares: Admixed American, 0.005%; no homozygotes.

Submission:

Labcorp Genetics (formerly Invitae), Labcorp
Classification: Uncertain significance. Last evaluated: 2025-06-12. Review status: criteria provided, single submitter. Criteria: Invitae Variant Classification Sherloc (09022015). Collection method: clinical testing. Allele origin: germline.
Comment: This sequence change replaces valine, which is neutral and non-polar, with methionine, which is neutral and non-polar, at codon 209 of the ROBO2 protein (p.Val209Met). This variant is present in population databases (no rsID available, gnomAD 0.006%). This variant has not been reported in the literature in individuals affected with ROBO2-related conditions. ClinVar contains an entry for this variant (Variation ID: 3665269). Invitae Evidence Modeling of protein sequence and biophysical properties (such as structural, functional, and spatial information, amino acid conservation, physicochemical variation, residue mobility, and thermodynamic stability) indicates that this missense variant is not expected to disrupt ROBO2 protein function with a negative predictive value of 95%. In summary, the available evidence is currently insufficient to determine the role of this variant in disease. Therefore, it has been classified as a Variant of Uncertain Significance.